The following is an entry in ClinVar:

NM_004463.3(FGD1):c.302G>T (p.Arg101Leu)

Gene: FGD1 (FYVE, RhoGEF and PH domain containing 1; minus strand). Cytogenetic location: Xp11.22.
Variant type: single nucleotide variant.
Coding change: c.302G>T on transcript NM_004463.3 (MANE Select); coding-DNA position 302, G replaced by T.
Protein change: p.Arg101Leu; replaces arginine 101 with leucine.
Molecular consequence: missense variant.
Genome position (GRCh38, 1-based): chrX:54,495,131, C>A on the plus strand (G>T on the coding strand, the complement: FGD1 is on the minus strand). VCF-style: chrX-54495131-C-A. GRCh37 (hg19) VCF-style: chrX-54521564-C-A.
Other names: short protein forms R101L.
Identifiers: ClinVar variation 3381714 (VCV003381714.1).

ClinVar aggregate classification (germline): Uncertain significance (1 of 4 stars; one submission).

Submission:

GeneDx
Classification: Uncertain significance. Last evaluated: 2024-05-21. Review status: criteria provided, single submitter. Criteria: GeneDx Variant Classification Process June 2021. Collection method: clinical testing. Allele origin: germline. Affected: yes.
Comment: Not observed at significant frequency in large population cohorts (gnomAD); In silico analysis indicates that this missense variant does not alter protein structure/function; Has not been previously published as pathogenic or benign to our knowledge